The following is an entry in ClinVar:

NM_201596.3(CACNB2):c.372C>A (p.Ser124Arg)

Gene: CACNB2 (calcium voltage-gated channel auxiliary subunit beta 2; plus strand). Cytogenetic location: 10p12.31.
Variant type: single nucleotide variant.
Coding change: c.372C>A on transcript NM_201596.3 (MANE Select); coding-DNA position 372, C replaced by A.
Protein change: p.Ser124Arg; replaces serine 124 with arginine.
Molecular consequence: missense variant.
Genome position (GRCh38, 1-based): chr10:18,498,393, C>A. VCF-style: chr10-18498393-C-A. GRCh37 (hg19) VCF-style: chr10-18787322-C-A.
Other names: c.207C>A, p.Ser69Arg (NM_000724.4, NM_001330060.2); c.288C>A, p.Ser96Arg (NM_001167945.2, NM_201571.4, NM_201572.4); c.228C>A, p.Ser76Arg (NM_001410882.1, NM_201570.3); c.210C>A, p.Ser70Arg (NM_201590.3); c.372C>A, p.Ser124Arg (NM_201593.3, NM_201597.3); short protein forms S96R, S124R, S69R, S70R, S76R.
Identifiers: ClinVar variation 5033653 (VCV005033653.1).

ClinVar aggregate classification (germline): Uncertain significance (1 of 4 stars; one submission).

Conditions:
Cardiovascular phenotype. Identifiers: MedGen CN230736.

Submission:

Ambry Genetics
Classification: Uncertain significance for Cardiovascular phenotype. Last evaluated: 2026-08-27. Review status: criteria provided, single submitter. Criteria: Ambry Variant Classification Scheme 2023. Collection method: clinical testing. Allele origin: germline.
Comment: The p.S70R variant (also known as c.210C>A), located in coding exon 3 of the CACNB2 gene, results from a C to A substitution at nucleotide position 210. The serine at codon 70 is replaced by arginine, an amino acid with dissimilar properties. This amino acid position is not well conserved in available vertebrate species. In addition, this alteration is predicted to be tolerated by in silico analysis. The evidence for this gene-disease relationship is limited; therefore, the clinical significance of this variant is unclear.